The following is an entry in ClinVar:

ClinVar aggregate classification (germline): Uncertain significance. Review status: criteria provided, multiple submitters, no conflicts (2 of 4 stars). 2 submissions from 2 submitters: Uncertain significance (2). Last evaluated 2022-09-01.

Conditions:
Retinitis pigmentosa 71 (RP71). Identifiers: Orphanet 791, MedGen C4225342, MONDO:0014618, OMIM 616394.
Short-rib thoracic dysplasia 10 with or without polydactyly (SRTD10). Identifiers: Orphanet 474, MedGen C3810175, MONDO:0014284, OMIM 615630.

Submissions (2):

Blueprint Genetics
Classification: Uncertain significance. Last evaluated: 2022-09-01. Review status: criteria provided, single submitter. Criteria: ACMG Guidelines, 2015. Collection method: clinical testing. Allele origin: germline.

Labcorp Genetics (formerly Invitae), Labcorp
Classification: Uncertain significance for Retinitis pigmentosa 71; Short-rib thoracic dysplasia 10 with or without polydactyly. Last evaluated: 2021-04-23. Review status: criteria provided, single submitter. Criteria: Invitae Variant Classification Sherloc (09022015). Collection method: clinical testing. Allele origin: germline.
Comment: In summary, the available evidence is currently insufficient to determine the role of this variant in disease. Therefore, it has been classified as a Variant of Uncertain Significance. This sequence change replaces asparagine with aspartic acid at codon 524 of the IFT172 protein (p.Asn524Asp). The asparagine residue is moderately conserved and there is a small physicochemical difference between asparagine and aspartic acid. This variant is not present in population databases (ExAC no frequency). This variant has not been reported in the literature in individuals with IFT172-related conditions. Algorithms developed to predict the effect of missense changes on protein structure and function (SIFT, PolyPhen-2, Align-GVGD) all suggest that this variant is likely to be tolerated, but these predictions have not been confirmed by published functional studies and their clinical significance is uncertain.

NM_015662.3(IFT172):c.1570A>G (p.Asn524Asp)

Gene: IFT172 (intraflagellar transport 172; minus strand). Cytogenetic location: 2p23.3.
Variant type: single nucleotide variant.
Coding change: c.1570A>G on transcript NM_015662.3 (MANE Select); coding-DNA position 1570, A replaced by G.
Protein change: p.Asn524Asp; replaces asparagine 524 with aspartic acid.
Molecular consequence: missense variant.
Genome position (GRCh38, 1-based): chr2:27,471,050, T>C on the plus strand (A>G on the coding strand, the complement: IFT172 is on the minus strand). VCF-style: chr2-27471050-T-C. GRCh37 (hg19) VCF-style: chr2-27693917-T-C.
Other names: short protein forms N524D.
Identifiers: ClinVar variation 1485268 (VCV001485268.9), dbSNP rs1667528581, ClinGen allele CA346390427.